The following is an entry in ClinVar:

NM_017866.6(TMEM70):c.2T>C (p.Met1Thr)

Gene: TMEM70 (transmembrane protein 70; plus strand). Cytogenetic location: 8q21.11.
Variant type: single nucleotide variant.
Coding change: c.2T>C on transcript NM_017866.6 (MANE Select); coding-DNA position 2, T replaced by C.
Protein change: p.Met1Thr; changes the start codon (methionine 1).
Molecular consequence: missense variant, initiator codon variant. On other transcripts: non-coding transcript variant (1).
Genome position (GRCh38, 1-based): chr8:73,976,283, T>C. VCF-style: chr8-73976283-T-C. GRCh37 (hg19) VCF-style: chr8-74888518-T-C.
Other names: c.2T>C, p.Met1Thr (NM_001040613.3); short protein forms M1T.
Identifiers: ClinVar variation 936698 (VCV000936698.10), dbSNP rs1815641175, ClinGen allele CA371489068.

ClinVar aggregate classification (germline): Likely pathogenic (1 of 4 stars; one submission).

Conditions:
Mitochondrial complex V (ATP synthase) deficiency, nuclear type 2. Also called: ENCEPHALOCARDIOMYOPATHY, MITOCHONDRIAL, NEONATAL, DUE TO ATP SYNTHASE DEFICIENCY; MITOCHONDRIAL COMPLEX V (ATP SYNTHASE) DEFICIENCY, TMEM70 TYPE; Nuclear-Encoded ATPase Deficiency, TMEM70-Related. Identifiers: Orphanet 1194, MedGen C3279699, MONDO:0013546, OMIM 614052.

Submission:

Labcorp Genetics (formerly Invitae), Labcorp
Classification: Likely pathogenic for Mitochondrial complex V (ATP synthase) deficiency, nuclear type 2. Last evaluated: 2019-08-22. Review status: criteria provided, single submitter. Criteria: Invitae Variant Classification Sherloc (09022015). Collection method: clinical testing. Allele origin: germline.
Comment: In summary, the currently available evidence indicates that the variant is pathogenic, but additional data are needed to prove that conclusively. Therefore, this variant has been classified as Likely Pathogenic. This variant disrupts the initiator methionine in TMEM70. If translation initiates from the next in-frame methionine, the TMEM70 protein would no longer include the region containing the p.Thr97 amino acid residue. Other variant(s) that disrupt this residue have been observed in individuals with TMEM70-related conditions (PMID: 30724636), which suggests that this residue is clinically significant, and that variants that disrupt this residue are likely to be disease-causing. This variant has been observed in individual(s) with clinical features of mitochondrial complex V deficiency (Invitae). In at least one individual the data is consistent with the variant being in trans (on the opposite chromosome) from a pathogenic variant. This variant is not present in population databases (ExAC no frequency). This sequence change affects the initiator methionine of the TMEM70 mRNA. The next in-frame methionine is located at codon 100.

Literature cited by the submitters: PubMed 30724636.